The following is an entry in ClinVar:

NM_001267550.2(TTN):c.107089G>C (p.Glu35697Gln)

Genes: TTN (titin; minus strand), TTN-AS1 (TTN antisense RNA 1; plus strand). Cytogenetic location: 2q31.2.
Variant type: single nucleotide variant.
Coding change: c.107089G>C on transcript NM_001267550.2 (MANE Select); coding-DNA position 107089, G replaced by C.
Protein change: p.Glu35697Gln; replaces glutamic acid 35697 with glutamine.
Molecular consequence: missense variant.
Genome position (GRCh38, 1-based): chr2:178,528,662, C>G on the plus strand (G>C on the coding strand, the complement: TTN is on the minus strand). VCF-style: chr2-178528662-C-G. GRCh37 (hg19) VCF-style: chr2-179393389-C-G.
Other names: c.102166G>C, p.Glu34056Gln (NM_001256850.1); c.99385G>C, p.Glu33129Gln (NM_133378.4); c.79894G>C, p.Glu26632Gln (NM_003319.4); c.80269G>C, p.Glu26757Gln (NM_133432.3); c.80470G>C, p.Glu26824Gln (NM_133437.4); c.107089G>C (NM_001267550.1); short protein forms E33129Q, E35697Q, E34056Q, E26632Q, E26757Q, E26824Q.
Identifiers: ClinVar variation 191806 (VCV000191806.64), dbSNP rs199531140, ClinGen allele CA237596.

ClinVar aggregate classification (germline): Conflicting classifications of pathogenicity. Review status: criteria provided, conflicting classifications (1 of 4 stars). 18 submissions from 14 submitters: Uncertain significance (7); Benign (3); Likely benign (7). 1 of the submissions does not count toward it. Last evaluated 2026-09-21.

Conditions:
Cardiovascular phenotype. Identifiers: MedGen CN230736.
TTN-related disorder. Also called: TTN-related condition; TTN-related disease; TTN-related disorders.
Dilated cardiomyopathy 1G (CMD1G). Identifiers: Orphanet 154, MedGen C1858763, MONDO:0011400, OMIM 604145.
Autosomal recessive limb-girdle muscular dystrophy type 2J (LGMDR10). Also called: Limb-girdle muscular dystrophy, type 2J; MUSCULAR DYSTROPHY, LIMB-GIRDLE, AUTOSOMAL RECESSIVE 10. Identifiers: Orphanet 140922, MedGen C1837342, MONDO:0012127, OMIM 608807.
Tibial muscular dystrophy (TMD). Also called: Udd Distal Myopathy – Tibial Muscular Dystrophy; Tibial muscular dystrophy, tardive; UDD MYOPATHY. Identifiers: Orphanet 609, MedGen C1838244, MONDO:0010870, OMIM 600334.
Myopathy, myofibrillar, 9, with early respiratory failure (MFM9). Also called: EDSTROM MYOPATHY; MYOPATHY, PROXIMAL, WITH EARLY RESPIRATORY MUSCLE INVOLVEMENT; Hereditary myopathy with early respiratory failure; Myopathy, distal, with early respiratory failure, autosomal dominant. Identifiers: Orphanet 178464, Orphanet 34521, MedGen C1863599, MONDO:0011362, OMIM 603689.
Early-onset myopathy with fatal cardiomyopathy (CMYO5). Also called: CONGENITAL MYOPATHY 5 WITH CARDIOMYOPATHY; Salih Myopathy. Identifiers: Orphanet 289377, MedGen C2673677, MONDO:0012714, OMIM 611705. Disease mechanism: loss of function.

Allele frequency attached by ClinVar (database versions not stated): gnomAD 0.00006 and 0.00013; TOPMed 0.00010; gnomAD exomes 0.00016 and 0.00034; 1000 Genomes Project 0.00020; ESP Exome Variant Server 0.00024; 1000 Genomes Project 30x 0.00031; ExAC 0.00050.

Submissions (18):

Molecular Diagnostic Laboratory for Inherited Cardiovascular Disease, Montreal Heart Institute
Classification: Likely benign. Last evaluated: 2026-09-21. Review status: criteria provided, single submitter. Criteria: ACMG Guidelines, 2015. Collection method: clinical testing. Allele origin: germline. Affected: no.
Comment: BS1;BP1

Labcorp Genetics (formerly Invitae), Labcorp
Classification: Likely benign for Dilated cardiomyopathy 1G; Autosomal recessive limb-girdle muscular dystrophy type 2J. Last evaluated: 2026-01-25. Review status: criteria provided, single submitter. Criteria: Invitae Variant Classification Sherloc (09022015). Collection method: clinical testing. Allele origin: germline.

CeGaT Center for Human Genetics Tuebingen
Classification: Likely benign. Last evaluated: 2025-05-01. Review status: criteria provided, single submitter. Criteria: CeGaT Center For Human Genetics Tuebingen Variant Classification Criteria Version 2. Collection method: clinical testing. Allele origin: germline. Affected: yes. Observed: 6 variant alleles.
Comment: TTN: BP4

Revvity Omics, Revvity
Classification: Uncertain significance. Last evaluated: 2025-02-04. Review status: criteria provided, single submitter. Criteria: ACMG Guidelines, 2015. Collection method: clinical testing. Allele origin: germline.

Blueprint Genetics
Classification: Likely benign. Last evaluated: 2024-01-11. Review status: criteria provided, single submitter. Criteria: ACMG Guidelines, 2015. Collection method: clinical testing. Allele origin: germline.

Women's Health and Genetics/Laboratory Corporation of America, LabCorp
Classification: Uncertain significance. Last evaluated: 2022-11-22. Review status: criteria provided, single submitter. Criteria: LabCorp Variant Classification Summary - May 2015. Collection method: clinical testing. Allele origin: germline.
Comment: Variant summary: TTN c.99385G>C (p.Glu33129Gln) results in a conservative amino acid change located in the M-band region of the encoded protein sequence. Four of five in-silico tools predict a benign effect of the variant on protein function. The variant allele was found at a frequency of 0.00034 in 247288 control chromosomes (gnomAD), predominantly at a frequency of 0.0021 within the South Asian subpopulation in the gnomAD database, including 1 homozygote. To our knowledge, no occurrence of c.99385G>C in individuals affected with Limb-Girdle Muscular Dystrophy, Type 2J and no experimental evidence demonstrating its impact on protein function have been reported. Eight ClinVar submitters have assessed the variant since 2014: two classified the variant as uncertain significance, four as likely benign, and two as benign. Based on the evidence outlined above, the variant was classified as VUS-possibly benign.

Athena Diagnostics
Classification: Benign. Last evaluated: 2021-04-23. Review status: criteria provided, single submitter. Criteria: Athena Diagnostics criteria. Collection method: clinical testing. Allele origin: unknown.

GeneDx
Classification: Likely benign. Last evaluated: 2021-02-19. Review status: criteria provided, single submitter. Criteria: GeneDx Variant Classification Process June 2021. Collection method: clinical testing. Allele origin: germline. Affected: yes.

Ambry Genetics
Classification: Likely benign for Cardiovascular phenotype. Last evaluated: 2019-08-02. Review status: criteria provided, single submitter. Criteria: Ambry Variant Classification Scheme 2023. Collection method: clinical testing. Allele origin: germline.

Illumina Laboratory Services, Illumina
Classification: Uncertain significance for Autosomal recessive limb-girdle muscular dystrophy type 2J. Last evaluated: 2018-01-13. Review status: criteria provided, single submitter. Criteria: ICSL Variant Classification Criteria 13 December 2019. Collection method: clinical testing. Allele origin: germline.

Illumina Laboratory Services, Illumina
Classification: Uncertain significance for Early-onset myopathy with fatal cardiomyopathy. Last evaluated: 2018-01-13. Review status: criteria provided, single submitter. Criteria: ICSL Variant Classification Criteria 13 December 2019. Collection method: clinical testing. Allele origin: germline.

Illumina Laboratory Services, Illumina
Classification: Uncertain significance for Dilated cardiomyopathy 1G. Last evaluated: 2018-01-13. Review status: criteria provided, single submitter. Criteria: ICSL Variant Classification Criteria 13 December 2019. Collection method: clinical testing. Allele origin: germline.

Illumina Laboratory Services, Illumina
Classification: Benign for Myopathy, myofibrillar, 9, with early respiratory failure. Last evaluated: 2018-01-13. Review status: criteria provided, single submitter. Criteria: ICSL Variant Classification Criteria 13 December 2019. Collection method: clinical testing. Allele origin: germline.
Comment: This variant was observed in the ICSL laboratory as part of a predisposition screen in an ostensibly healthy population. It had not been previously curated by ICSL or reported in the Human Gene Mutation Database (HGMD: prior to June 1st, 2018), and was therefore a candidate for classification through an automated scoring system. Utilizing variant allele frequency, disease prevalence and penetrance estimates, and inheritance mode, an automated score was calculated to assess if this variant is too frequent to cause the disease. Based on the score and internal cut-off values, a variant classified as benign is not then subjected to further curation. The score for this variant resulted in a classification of benign for this disease.

Illumina Laboratory Services, Illumina
Classification: Benign for Tibial muscular dystrophy. Last evaluated: 2018-01-13. Review status: criteria provided, single submitter. Criteria: ICSL Variant Classification Criteria 13 December 2019. Collection method: clinical testing. Allele origin: germline.
Comment: the same text as in the submission from Illumina Laboratory Services, Illumina above.

Eurofins Ntd Llc (ga)
Classification: Uncertain significance. Last evaluated: 2016-11-29. Review status: criteria provided, single submitter. Criteria: EGL Classification Definitions 2015. Collection method: clinical testing. Allele origin: germline. Observed: 2 variant alleles, 2 heterozygotes.

Laboratory for Molecular Medicine, Mass General Brigham Personalized Medicine
Classification: Likely benign. Last evaluated: 2015-07-09. Review status: criteria provided, single submitter. Criteria: LMM Criteria. Collection method: clinical testing. Allele origin: germline. Observed: 1 variant allele.
Comment: p.Glu33129Gln in exon 309 of TTN: This variant is not expected to have clinical significance because it has been identified in 0.3% (42/15700) of South Asian ch romosomes by the Exome Aggregation Consortium (ExAC. org; dbSNP rs199531140).

Biesecker Lab/Clinical Genomics Section, National Institutes of Health
Classification: Uncertain significance. Last evaluated: 2013-06-24. Review status: criteria provided, single submitter. Criteria: Ng et al. (Circ Cardiovasc Genet. 2013). Collection method: research. Allele origin: unknown. Observed: 1 variant allele. Study: ClinSeq.
Comment: The study set was not selected for affection status in relation to any cancer. Pathogenicity categories were based on literature curation. See Pubmed ID:23861362 for details.

Medical sequencing

PreventionGenetics, part of Exact Sciences
Classification: Likely benign for TTN-related condition. Last evaluated: 2022-06-13. Review status: no assertion criteria provided. Collection method: clinical testing. Allele origin: germline. Not counted in ClinVar's aggregate classification.
Comment: This variant is classified as likely benign based on ACMG/AMP sequence variant interpretation guidelines (Richards et al. 2015 PMID: 25741868, with internal and published modifications).